The following is an entry in ClinVar:

NM_173076.3(ABCA12):c.5352T>C (p.Tyr1784=)

Gene: ABCA12 (ATP binding cassette subfamily A member 12; minus strand). Cytogenetic location: 2q35.
Variant type: single nucleotide variant.
Coding change: c.5352T>C on transcript NM_173076.3 (MANE Select); coding-DNA position 5352, T replaced by C.
Protein change: p.Tyr1784=; no amino-acid change (tyrosine 1784 retained).
Molecular consequence: synonymous variant. On other transcripts: non-coding transcript variant (1).
Genome position (GRCh38, 1-based): chr2:214,975,814, A>G on the plus strand (T>C on the coding strand, the complement: ABCA12 is on the minus strand). VCF-style: chr2-214975814-A-G. GRCh37 (hg19) VCF-style: chr2-215840538-A-G.
Other names: c.4398T>C, p.Tyr1466= (NM_015657.4).
Identifiers: ClinVar variation 2825250 (VCV002825250.5), dbSNP rs566897301, ClinGen allele CA64811677.
Genomic context (GRCh38, chr2:214,975,814, plus strand): 5'-ACATTCTTTTAGTTAACAGAAAGAAACTTACGCATAGAAGGCTGTCTGTTCGGAGGTACC[A>G]TAAAGAGAGGGGGAGATCTGAATCTCTGGATAACTGTTGCTGGAATTTCTCAGTGTGCCA-3'
Protein context (NP_775099.2, residues 1774-1794): YPEIQISPSL[Tyr1784=]GTSEQTAFYA

ClinVar aggregate classification (germline): Likely benign. Review status: criteria provided, multiple submitters, no conflicts (2 of 4 stars). 2 submissions from 2 submitters: Likely benign (2). Last evaluated 2026-04-01.

Allele frequency attached by ClinVar (database versions not stated): gnomAD exomes below 0.00001; gnomAD 0.00001; 1000 Genomes Project 30x 0.00016; 1000 Genomes Project 0.00020.
gnomAD v4.1: 3 of 1,614,144 alleles (0.00019%); highest among the groups gnomAD compares: African/African-American, 0.0013%; no homozygotes.

Submissions (2):

CeGaT Center for Human Genetics Tuebingen
Classification: Likely benign. Last evaluated: 2026-04-01. Review status: criteria provided, single submitter. Criteria: CeGaT Center For Human Genetics Tuebingen Variant Classification Criteria Version 2. Collection method: clinical testing. Allele origin: germline. Affected: yes. Observed: 1 variant allele.
Comment: ABCA12: BP4, BP7

Labcorp Genetics (formerly Invitae), Labcorp
Classification: Likely benign. Last evaluated: 2023-11-20. Review status: criteria provided, single submitter. Criteria: Invitae Variant Classification Sherloc (09022015). Collection method: clinical testing. Allele origin: germline.